The following is an entry in ClinVar:

NM_000900.5(MGP):c.157A>G (p.Lys53Glu)

Gene: MGP (matrix Gla protein; minus strand). Cytogenetic location: 12p12.3.
Variant type: single nucleotide variant.
Coding change: c.157A>G on transcript NM_000900.5 (MANE Select); coding-DNA position 157, A replaced by G.
Protein change: p.Lys53Glu; replaces lysine 53 with glutamic acid.
Molecular consequence: missense variant.
Genome position (GRCh38, 1-based): chr12:14,882,985, T>C on the plus strand (A>G on the coding strand, the complement: MGP is on the minus strand). VCF-style: chr12-14882985-T-C. GRCh37 (hg19) VCF-style: chr12-15035919-T-C.
Other names: c.232A>G, p.Lys78Glu (NM_001190839.3); short protein forms K53E, K78E.
Identifiers: ClinVar variation 286292 (VCV000286292.50), dbSNP rs1801716, ClinGen allele CA6465167.

ClinVar aggregate classification (germline): Benign/Likely benign. Review status: criteria provided, multiple submitters, no conflicts (2 of 4 stars). 8 submissions from 8 submitters: Benign (4); Likely benign (4). Last evaluated 2026-02-02.

Conditions:
Keutel syndrome (KTLS). Identifiers: Orphanet 85202, MedGen C1855607, MONDO:0009495, OMIM 245150.

Allele frequency attached by ClinVar (database versions not stated): TOPMed 0.00305; gnomAD 0.00329 and 0.00356; ESP Exome Variant Server 0.00354; 1000 Genomes Project 30x 0.00375; 1000 Genomes Project 0.00399; gnomAD exomes 0.00487 and 0.00518; ExAC 0.00513.
gnomAD v4.1: 7,603 of 1,611,848 alleles (0.47%); highest among the groups gnomAD compares: South Asian, 1.3%; 43 homozygotes.

Submissions (8):

Labcorp Genetics (formerly Invitae), Labcorp
Classification: Benign. Last evaluated: 2026-02-02. Review status: criteria provided, single submitter. Criteria: Invitae Variant Classification Sherloc (09022015). Collection method: clinical testing. Allele origin: germline.

CeGaT Center for Human Genetics Tuebingen
Classification: Benign. Last evaluated: 2025-12-01. Review status: criteria provided, single submitter. Criteria: CeGaT Center For Human Genetics Tuebingen Variant Classification Criteria Version 2. Collection method: clinical testing. Allele origin: germline. Affected: yes. Observed: 3 variant alleles.
Comment: MGP: BP4, BS1, BS2

Genomic Medicine Center of Excellence, King Faisal Specialist Hospital and Research Centre
Classification: Likely benign. Last evaluated: 2025-08-18. Review status: criteria provided, single submitter. Criteria: ACMG Guidelines, 2015. Collection method: clinical testing. Allele origin: germline.

GeneDx
Classification: Likely benign. Last evaluated: 2024-03-06. Review status: criteria provided, single submitter. Criteria: GeneDx Variant Classification Process June 2021. Collection method: clinical testing. Allele origin: germline. Affected: yes.
Comment: See Variant Classification Assertion Criteria.

Genomic Research Center, Shahid Beheshti University of Medical Sciences
Classification: Likely benign for Keutel syndrome. Last evaluated: 2019-01-01. Review status: criteria provided, single submitter. Criteria: ACMG Guidelines, 2015. Collection method: clinical testing. Allele origin: unknown. Affected: no. Observed: 1 variant allele.

Illumina Laboratory Services, Illumina
Classification: Benign for Keutel syndrome. Last evaluated: 2017-04-27. Review status: criteria provided, single submitter. Criteria: ICSL Variant Classification Criteria 13 December 2019. Collection method: clinical testing. Allele origin: germline.
Comment: This variant was observed as part of a predisposition screen in an ostensibly healthy population. A literature search was performed for the gene, cDNA change, and amino acid change (where applicable). No publications were found based on this search. Allele frequency data from public databases was too high to be consistent with this variant causing disease. Therefore, this variant is classified as benign.

Eurofins Ntd Llc (ga)
Classification: Benign. Last evaluated: 2016-02-16. Review status: criteria provided, single submitter. Criteria: EGL Classification Definitions 2015. Collection method: clinical testing. Allele origin: germline. Observed: 1 variant allele, 1 heterozygote.

Breakthrough Genomics
Classification: Likely benign. Review status: criteria provided, single submitter. Criteria: ACMG Guidelines, 2015. Collection method: not provided. Allele origin: germline. Inheritance: Autosomal recessive inheritance. Affected: yes.